The following is an entry in ClinVar:

NM_005732.4(RAD50):c.446C>T (p.Ala149Val)

Gene: RAD50 (RAD50 double strand break repair protein; plus strand). Cytogenetic location: 5q31.1.
Variant type: single nucleotide variant.
Coding change: c.446C>T on transcript NM_005732.4 (MANE Select); coding-DNA position 446, C replaced by T.
Protein change: p.Ala149Val; replaces alanine 149 with valine.
Molecular consequence: missense variant.
Genome position (GRCh38, 1-based): chr5:132,579,397, C>T. VCF-style: chr5-132579397-C-T. GRCh37 (hg19) VCF-style: chr5-131915089-C-T.
Other names: short protein forms A149V.
Identifiers: ClinVar variation 4677760 (VCV004677760.1).

ClinVar aggregate classification (germline): Uncertain significance (1 of 4 stars; one submission).

Conditions:
Hereditary cancer-predisposing syndrome. Also called: Neoplastic Syndromes, Hereditary; Tumor predisposition; Hereditary Cancer Syndrome; Hereditary neoplastic syndrome. Identifiers: Orphanet 140162, MedGen C0027672, MeSH D009386, MONDO:0015356.

Submission:

Ambry Genetics
Classification: Uncertain significance for Hereditary cancer-predisposing syndrome. Last evaluated: 2025-09-18. Review status: criteria provided, single submitter. Criteria: Ambry Variant Classification Scheme 2023. Collection method: clinical testing. Allele origin: germline.
Comment: The p.A149V variant (also known as c.446C>T), located in coding exon 4 of the RAD50 gene, results from a C to T substitution at nucleotide position 446. The alanine at codon 149 is replaced by valine, an amino acid with similar properties. This amino acid position is conserved. In addition, this alteration is predicted to be tolerated by in silico analysis. Based on the available evidence, the clinical significance of this variant remains unclear.